The following is an entry in ClinVar:

ClinVar aggregate classification (germline): Pathogenic (1 of 4 stars; one submission).

Conditions:
Severe combined immunodeficiency, autosomal recessive, T cell-negative, B cell-negative, NK cell-positive. Also called: SCID, T CELL-NEGATIVE, B CELL-NEGATIVE, NK CELL-POSITIVE; SCID, AR, T-cell negative, B-cell negative, NK cell-positive; Severe combined immunodeficiency due to complete RAG1/2 deficiency. Identifiers: Orphanet 331206, MedGen C1832322, MONDO:0011086, OMIM 601457.
Combined immunodeficiency with skin granulomas. Identifiers: Orphanet 157949, MedGen C2673536, MONDO:0009306, OMIM 233650.

Submission:

Labcorp Genetics (formerly Invitae), Labcorp
Classification: Pathogenic for Combined immunodeficiency with skin granulomas; Severe combined immunodeficiency, autosomal recessive, T cell-negative, B cell-negative, NK cell-positive. Last evaluated: 2021-11-13. Review status: criteria provided, single submitter. Criteria: Invitae Variant Classification Sherloc (09022015). Collection method: clinical testing. Allele origin: germline.
Comment: For these reasons, this variant has been classified as Pathogenic. This variant disrupts a region of the RAG2 protein in which other variant(s) (p.Glu480*) have been determined to be pathogenic (PMID: 21624848, 29772310). This suggests that this is a clinically significant region of the protein, and that variants that disrupt it are likely to be disease-causing. This variant has not been reported in the literature in individuals affected with RAG2-related conditions. This variant is not present in population databases (gnomAD no frequency). This sequence change creates a premature translational stop signal (p.Ser257Cysfs*10) in the RAG2 gene. While this is not anticipated to result in nonsense mediated decay, it is expected to disrupt the last 271 amino acid(s) of the RAG2 protein.

Literature cited by the submitters: PubMed 21624848; PubMed 29772310.

NM_000536.4(RAG2):c.770_771del (p.Ser257fs)

Gene: RAG2 (recombination activating 2; minus strand). Cytogenetic location: 11p12.
Variant type: Microsatellite.
Coding change: c.770_771del on transcript NM_000536.4 (MANE Select); coding-DNA positions 770 to 771, 2 bases deleted (CT; older notation c.770_771delCT).
Protein change: p.Ser257fs; shifts the reading frame from serine 257.
Molecular consequence: frameshift variant.
Genome position (GRCh38, 1-based): chr11:36,593,398-36,593,399, AG deleted on the plus strand (CT on the coding strand, the reverse complement: RAG2 is on the minus strand); deleting any 2 consecutive bases within chr11:36,593,398-36,593,402 gives the same sequence; the c. name uses the placement nearest the transcript's 3' end. VCF-style (leftmost placement, unchanged base first): chr11-36593397-CAG-C. GRCh37 (hg19) VCF-style: chr11-36614947-CAG-C.
Other names: c.770_771del, p.Ser257fs (NM_001243785.2, NM_001243786.2); short protein forms S257fs.
Identifiers: ClinVar variation 1456090 (VCV001456090.6), dbSNP rs2133313582, ClinGen allele CA2580615662.